The following is an entry in ClinVar:

ClinVar aggregate classification (germline): Uncertain significance (1 of 4 stars; one submission).

Submission:

Labcorp Genetics (formerly Invitae), Labcorp
Classification: Uncertain significance. Last evaluated: 2023-03-22. Review status: criteria provided, single submitter. Criteria: Invitae Variant Classification Sherloc (09022015). Collection method: clinical testing. Allele origin: germline.
Comment: In summary, the available evidence is currently insufficient to determine the role of this variant in disease. Therefore, it has been classified as a Variant of Uncertain Significance. Advanced modeling of protein sequence and biophysical properties (such as structural, functional, and spatial information, amino acid conservation, physicochemical variation, residue mobility, and thermodynamic stability) performed at Invitae indicates that this missense variant is not expected to disrupt POLE protein function. This variant has not been reported in the literature in individuals affected with POLE-related conditions. This variant is not present in population databases (gnomAD no frequency). This sequence change replaces glutamic acid, which is acidic and polar, with glutamine, which is neutral and polar, at codon 575 of the POLE protein (p.Glu575Gln).

NM_006231.4(POLE):c.1723G>C (p.Glu575Gln)

Gene: POLE (DNA polymerase epsilon, catalytic subunit; minus strand). Cytogenetic location: 12q24.33.
Variant type: single nucleotide variant.
Coding change: c.1723G>C on transcript NM_006231.4 (MANE Select); coding-DNA position 1723, G replaced by C.
Protein change: p.Glu575Gln; replaces glutamic acid 575 with glutamine.
Molecular consequence: missense variant.
Genome position (GRCh38, 1-based): chr12:132,672,286, C>G on the plus strand (G>C on the coding strand, the complement: POLE is on the minus strand). VCF-style: chr12-132672286-C-G. GRCh37 (hg19) VCF-style: chr12-133248872-C-G.
Other names: short protein forms E575Q.
Identifiers: ClinVar variation 2848625 (VCV002848625.3), dbSNP rs2542129165, ClinGen allele CA387356356.